The following is an entry in ClinVar:

NM_001375567.1(FOCAD):c.3318-5A>G

Gene: FOCAD (focadhesin; plus strand). Cytogenetic location: 9p21.3.
Variant type: single nucleotide variant.
Coding change: c.3318-5A>G on transcript NM_001375567.1 (MANE Select); 5 bases into the intron before coding-DNA position 3318, A replaced by G.
Molecular consequence: intron variant.
Genome position (GRCh38, 1-based): chr9:20,933,009, A>G. VCF-style: chr9-20933009-A-G. GRCh37 (hg19) VCF-style: chr9-20933008-A-G.
Other names: c.3318-5A>G (NM_017794.5); c.3213-5A>G (NM_001375568.1, NM_001375570.1).
Identifiers: ClinVar variation 4750776 (VCV004750776.1).

ClinVar aggregate classification (germline): Uncertain significance (1 of 4 stars; one submission).

gnomAD v4.1: 7 of 1,608,720 alleles (0.00044%); highest among the groups gnomAD compares: Admixed American, 0.0083%; no homozygotes.

Submission:

Labcorp Genetics (formerly Invitae), Labcorp
Classification: Uncertain significance. Last evaluated: 2025-04-13. Review status: criteria provided, single submitter. Criteria: Invitae Variant Classification Sherloc (09022015). Collection method: clinical testing. Allele origin: germline.
Comment: This sequence change falls in intron 29 of the FOCAD gene. It does not directly change the encoded amino acid sequence of the FOCAD protein. This variant is present in population databases (rs758451383, gnomAD 0.01%). This variant has not been reported in the literature in individuals affected with FOCAD-related conditions. Algorithms developed to predict the effect of sequence changes on RNA splicing suggest that this variant may disrupt the consensus splice site. In summary, the available evidence is currently insufficient to determine the role of this variant in disease. Therefore, it has been classified as a Variant of Uncertain Significance.